The following is an entry in ClinVar:

NM_001276345.2(TNNT2):c.360T>G (p.Phe120Leu)

Gene: TNNT2 (troponin T2, cardiac type; minus strand). Cytogenetic location: 1q32.1.
Variant type: single nucleotide variant.
Coding change: c.360T>G on transcript NM_001276345.2 (MANE Select); coding-DNA position 360, T replaced by G.
Protein change: p.Phe120Leu; replaces phenylalanine 120 with leucine.
Molecular consequence: missense variant. On other transcripts: intron variant (1).
Genome position (GRCh38, 1-based): chr1:201,365,242, A>C on the plus strand (T>G on the coding strand, the complement: TNNT2 is on the minus strand). VCF-style: chr1-201365242-A-C. GRCh37 (hg19) VCF-style: chr1-201334370-A-C.
Other names: p.F110L:TTT>TTG; c.360T>G, p.Phe120Leu (NM_000364.4); c.330T>G, p.Phe110Leu (NM_001001430.3, NM_001001431.3, NM_001276347.2); c.315T>G, p.Phe105Leu (NM_001001432.3); c.291+368T>G (NM_001276346.2); short protein forms F110L, F120L, F105L.
Identifiers: ClinVar variation 177807 (VCV000177807.22), dbSNP rs727504331, ClinGen allele CA004389.

ClinVar aggregate classification (germline): Pathogenic/Likely pathogenic. Review status: criteria provided, multiple submitters, no conflicts (2 of 4 stars). 12 submissions from 10 submitters: Pathogenic (2); Likely pathogenic (9). 1 of the submissions does not count toward it. Last evaluated 2026-09-10.

Conditions:
Cardiovascular phenotype. Identifiers: MedGen CN230736.
TNNT2-related disorder. Also called: TNNT2-related condition.
Cardiomyopathy (CMYO). Also called: Cardiomyopathies. Identifiers: Orphanet 167848, MedGen C0878544, MONDO:0004994, HP:0001638. Inheritance: Various modes of inheritance.
Cardiomyopathy, familial restrictive, 3. Identifiers: Orphanet 75249, MedGen C2676271, MONDO:0012900, OMIM 612422.
Hypertrophic cardiomyopathy 2. Also called: TNNT2-Related Familial Hypertrophic Cardiomyopathy. Identifiers: MedGen C1861864, MONDO:0007266, OMIM 115195.
Dilated cardiomyopathy 1D. Identifiers: Orphanet 154, Orphanet 54260, MedGen C1832243, MONDO:0011095, OMIM 601494.
Hypertrophic cardiomyopathy. Also called: HYPERTROPHIC MYOCARDIOPATHY. Identifiers: Orphanet 217569, MedGen C0007194, MeSH D002312, MONDO:0005045, HP:0001639.
Primary familial hypertrophic cardiomyopathy (HCM). Identifiers: Orphanet 99739, MedGen C0949658, MeSH D024741, MONDO:0024573. Inheritance: Various modes of inheritance.

Allele frequency attached by ClinVar (database versions not stated): gnomAD exomes below 0.00001 and 0.00001.
gnomAD v4.1: 1 of 1,614,204 alleles (0.000062%); no homozygotes.

Submissions (12):

Ambry Genetics
Classification: Likely pathogenic for Cardiovascular phenotype. Last evaluated: 2026-09-10. Review status: criteria provided, single submitter. Criteria: Ambry Variant Classification Scheme 2023. Collection method: clinical testing. Allele origin: germline.
Comment: The p.F110L variant (also known as c.330T>G), located in coding exon 8 of the TNNT2 gene, results from a T to G substitution at nucleotide position 330. The phenylalanine at codon 110 is replaced by leucine, an amino acid with highly similar properties. This variant was identified in one or more individuals with features consistent with hypertrophic cardiomyopathy and segregated with disease in at least one family (Torricelli F et al. Am J Cardiol, 2003 Dec;92:1358-62; Coppini R et al. J Am Coll Cardiol, 2014 Dec;64:2589-2600; Walsh R et al. Genet Med, 2017 Feb;19:192-203; Hathaway J et al. BMC Cardiovasc Disord, 2021 Mar;21:126; Stafford F et al. Genome Med, 2022 Dec;14:145; Cava F et al. Front Cardiovasc Med, 2023 Apr;10:1112759). Other variant(s) at the same codon, p.F110I (c.328T>A) have been identified in individual(s) with features consistent with hypertrophic cardiomyopathy and segregated with disease in at least one family (Watkins H et al. N Engl J Med, 1995 Apr;332:1058-64; Anan R et al. Circulation, 1998 Aug;98:391-7l Otsuka H et al. Circ J, 2012 Nov;76:453-61). This amino acid position is highly conserved in available vertebrate species. In addition, this alteration is predicted to be deleterious by in silico analysis. Based on the majority of available evidence to date, this variant is likely to be pathogenic.

Labcorp Genetics (formerly Invitae), Labcorp
Classification: Pathogenic for Cardiomyopathy, familial restrictive, 3; Hypertrophic cardiomyopathy 2; Dilated cardiomyopathy 1D. Last evaluated: 2025-09-29. Review status: criteria provided, single submitter. Criteria: Invitae Variant Classification Sherloc (09022015). Collection method: clinical testing. Allele origin: germline.
Comment: This sequence change replaces phenylalanine, which is neutral and non-polar, with leucine, which is neutral and non-polar, at codon 110 of the TNNT2 protein (p.Phe110Leu). This variant is present in population databases (rs727504331, gnomAD 0.004%). This missense change has been observed in individuals with hypertrophic cardiomyopathy (PMID: 14636924, 25524337, 36578016). ClinVar contains an entry for this variant (Variation ID: 177807). Invitae Evidence Modeling of protein sequence and biophysical properties (such as structural, functional, and spatial information, amino acid conservation, physicochemical variation, residue mobility, and thermodynamic stability) has been performed for this missense variant. However, the output from this modeling did not meet the statistical confidence thresholds required to predict the impact of this variant on TNNT2 protein function. Experimental studies have shown that this missense change affects TNNT2 function (PMID: 33025817). This variant disrupts the p.Phe110 amino acid residue in TNNT2. Other variant(s) that disrupt this residue have been determined to be pathogenic (PMID: 9714088, 16115869, 33025817). This suggests that this residue is clinically significant, and that variants that disrupt this residue are likely to be disease-causing. For these reasons, this variant has been classified as Pathogenic.

Color Diagnostics, LLC DBA Color Health
Classification: Likely pathogenic for Cardiomyopathy. Last evaluated: 2024-03-05. Review status: criteria provided, single submitter. Criteria: ACMG Guidelines, 2015. Collection method: clinical testing. Allele origin: germline.
Comment: This missense variant replaces phenylalanine with leucine at codon 110 in the tropomyosin binding domain of the TNNT2 protein. Computational prediction tools indicate that this variant has a deleterious impact on protein structure and function. To our knowledge, functional studies have not been reported for this variant. This variant has been reported in at least seven individuals affected with hypertrophic cardiomyopathy (PMID: 14636924, 23074333, 27532257, 29875424, 23074333, 27532257, 29875424, 35514357, 37089884). It has been shown that this variant segregates with disease in three affected individuals in one family (PMID: 14636924, 16858239, 18533079). This variant has also been reported in one individual affected with hypertrophic cardiomyopathy and left ventricular systolic dysfunction who also carried a pathogenic variant in the MYBPC3 gene (PMID: 32228044). This variant has been identified in 2/251494 chromosomes in the general population by the Genome Aggregation Database (gnomAD). A different variant affecting the same codon, p.Phe110Ile, is considered to be disease-causing (ClinVar variation ID: 12412), suggesting that phenylalanine at this position is important for TNNT2 protein function. Based on the available evidence, this variant is classified as Likely Pathogenic.

GeneDx
Classification: Likely pathogenic. Last evaluated: 2023-10-09. Review status: criteria provided, single submitter. Criteria: GeneDx Variant Classification Process June 2021. Collection method: clinical testing. Allele origin: germline. Affected: yes.
Comment: Segregates with HCM in at least three affected relatives from one family (PMID: 14636924); A different nucleotide change resulting in the same amino acid substitution (c.328 T>C, p.(F110L)) has also been reported, and some publications only describe the variant at the protein level and do not specify the nucleotide substitution.; Not observed at significant frequency in large population cohorts (gnomAD); In silico analysis supports that this missense variant has a deleterious effect on protein structure/function; This variant is associated with the following publications: (PMID: 7898523, 20031601, 16858239, 18533079, 27532257, 22144547, 33673806, 36252119, 36578016, 14636924, 25524337)

All of Us Research Program, National Institutes of Health
Classification: Likely pathogenic for Hypertrophic cardiomyopathy. Last evaluated: 2023-09-18. Review status: criteria provided, single submitter. Criteria: ACMG Guidelines, 2015. Collection method: clinical testing. Allele origin: germline. Inheritance: Autosomal dominant inheritance. Observed: 1 variant allele, 1 heterozygote.
Comment: This missense variant replaces phenylalanine with leucine at codon 110 in the tropomyosin binding domain of the TNNT2 protein. Computational prediction suggests that this variant may have a deleterious impact on protein structure and function (internally defined REVEL score threshold >= 0.7, PMID: 27666373). To our knowledge, functional studies have not been reported for this variant. This variant has been reported in several individuals affected with hypertrophic cardiomyopathy (PMID: 14636924, 23074333, 27532257, 29875424, 23074333, 27532257, 29875424, 35514357). It has been shown that this variant segregates with disease in 3 affected individuals in one family (PMID: 14636924, 16858239, 18533079). This variant has also been reported in an individual affected with hypertrophic cardiomyopathy and left ventricular systolic dysfunction who also carried a pathogenic variant in the MYBPC3 gene (PMID: 32228044). This variant has been identified in 2/251494 chromosomes in the general population by the Genome Aggregation Database (gnomAD). A different variant affecting the same codon, p.Phe110Ile, is considered to be disease-causing (ClinVar variation ID: 12412), suggesting that phenylalanine at this position is important for TNNT2 protein function. Based on the available evidence, this variant is classified as Likely Pathogenic.

This study involves interpretation of variants in research participants for the purpose of population health screening. Participant phenotype was not available at the time of variant classification. Additional details can be found in publication PMID: 35346344, PMCID: PMC8962531

Genome-Nilou Lab
Classification: Likely pathogenic for Dilated cardiomyopathy 1D. Last evaluated: 2023-04-11. Review status: criteria provided, single submitter. Criteria: ACMG Guidelines, 2015. Collection method: clinical testing. Allele origin: germline. Affected: no.

Genome-Nilou Lab
Classification: Likely pathogenic for Cardiomyopathy, familial restrictive, 3. Last evaluated: 2023-04-11. Review status: criteria provided, single submitter. Criteria: ACMG Guidelines, 2015. Collection method: clinical testing. Allele origin: germline. Affected: no.

Genome-Nilou Lab
Classification: Likely pathogenic for Hypertrophic cardiomyopathy 2. Last evaluated: 2023-04-11. Review status: criteria provided, single submitter. Criteria: ACMG Guidelines, 2015. Collection method: clinical testing. Allele origin: germline. Affected: no.

Agnes Ginges Centre for Molecular Cardiology, Centenary Institute
Classification: Likely pathogenic for Hypertrophic cardiomyopathy 2. Last evaluated: 2018-02-09. Review status: criteria provided, single submitter. Criteria: ACMG Guidelines, 2015. Collection method: research. Allele origin: germline. Inheritance: Autosomal dominant inheritance. Affected: yes.
Comment: TNNT2 Phe110Leu had been previously identified in multiple HCM probands (Walsh R, et al., 2017; Coppini R, et al., 2014; GeneDx, Pers. Comm.) and in one family it was found to segregate to two affected family members (Torricelli F, et al., 2003). The TNNT2 Phe110Leu variant is absent in the Genome Aggregation Database. In silico tools SIFT, PolyPhen-2 and MutationTaster predict that this variant is deleterious. In summary, the variant has been reported in numerous cases, it is very rare in the general population, in silico tools predict the variant to impact protein function and the variant has segregated with disease in one family, therefore we classify TNNT2 Phe110Leu as 'Likely Pathogenic'.

Blueprint Genetics
Classification: Likely pathogenic for TNNT2-related disorders. Last evaluated: 2017-09-08. Review status: criteria provided, single submitter. Criteria: ACMG Guidelines, 2015. Collection method: clinical testing. Allele origin: germline. Affected: yes. Observed: 1 variant allele.

Molecular Diagnostic Laboratory for Inherited Cardiovascular Disease, Montreal Heart Institute
Classification: Pathogenic for Primary familial hypertrophic cardiomyopathy. Last evaluated: 2017-07-24. Review status: criteria provided, single submitter. Criteria: ACMG Guidelines, 2015. Collection method: clinical testing. Allele origin: germline. Affected: yes.

Laboratory for Molecular Medicine, Mass General Brigham Personalized Medicine
Classification: Likely pathogenic for Hypertrophic cardiomyopathy. Last evaluated: 2013-02-08. Review status: no assertion criteria provided. Collection method: clinical testing. Allele origin: germline. Inheritance: Autosomal dominant inheritance. Observed: 4 variant alleles. Not counted in ClinVar's aggregate classification.
Comment: proposed classification - variant undergoing re-assessment, contact laboratory

Literature cited by the submitters: PubMed 14636924 (cited by 6 submitters); PubMed 25524337 (cited by 3 submitters); PubMed 27532257 (cited by 4 submitters); PubMed 33673806 (cited by Ambry Genetics); PubMed 36578016 (cited by Ambry Genetics and Labcorp Genetics (formerly Invitae), Labcorp); PubMed 37089884 (cited by Ambry Genetics and Color Diagnostics, LLC DBA Color Health); PubMed 33025817 (cited by Labcorp Genetics (formerly Invitae), Labcorp); PubMed 9714088 (cited by Labcorp Genetics (formerly Invitae), Labcorp); PubMed 16115869 (cited by Labcorp Genetics (formerly Invitae), Labcorp); PubMed 16858239 (cited by 3 submitters); PubMed 18533079 (cited by 4 submitters); PubMed 23074333 (cited by Color Diagnostics, LLC DBA Color Health and All of Us Research Program, National Institutes of Health); PubMed 29875424 (cited by Color Diagnostics, LLC DBA Color Health and All of Us Research Program, National Institutes of Health); PubMed 32228044 (cited by Color Diagnostics, LLC DBA Color Health and All of Us Research Program, National Institutes of Health); PubMed 35514357 (cited by Color Diagnostics, LLC DBA Color Health and All of Us Research Program, National Institutes of Health).